The following is an entry in ClinVar:

NM_000334.4(SCN4A):c.3019G>A (p.Val1007Met)

Genes: GH-LCR (growth hormone locus control region; plus strand), SCN4A (sodium voltage-gated channel alpha subunit 4; minus strand). Cytogenetic location: 17q23.3.
Variant type: single nucleotide variant.
Coding change: c.3019G>A on transcript NM_000334.4 (MANE Select); coding-DNA position 3019, G replaced by A.
Protein change: p.Val1007Met; replaces valine 1007 with methionine.
Molecular consequence: missense variant.
Genome position (GRCh38, 1-based): chr17:63,948,736, C>T on the plus strand (G>A on the coding strand, the complement: SCN4A is on the minus strand). VCF-style: chr17-63948736-C-T. GRCh37 (hg19) VCF-style: chr17-62026096-C-T.
Other names: short protein forms V1007M.
Identifiers: ClinVar variation 889278 (VCV000889278.12), dbSNP rs781028684, ClinGen allele CA8709413.

ClinVar aggregate classification (germline): Conflicting classifications of pathogenicity. Review status: criteria provided, conflicting classifications (1 of 4 stars). 8 submissions from 4 submitters: Uncertain significance (4); Likely benign (4). Last evaluated 2025-08-24.

Conditions:
Paramyotonia congenita of Von Eulenburg. Also called: PARALYSIS PERIODICA PARAMYOTONICA; Eulenburg disease; Myotonia congenita intermittens; Von Eulenburg paramyotonia congenita; Paramyotonia Congenita. Identifiers: Orphanet 684, MedGen C0221055, MONDO:0008195, OMIM 168300. Disease mechanism: loss of function.
Congenital myopathy 22A, classic (CMYO22A). Identifiers: MedGen C5830453, MONDO:0957247, OMIM 620351.
Congenital myopathy 22B, severe fetal (CMYO22B). Identifiers: MedGen C5830501, MONDO:0957265, OMIM 620369.
Congenital myasthenic syndrome 16. Identifiers: Orphanet 590, MedGen C3280112, MONDO:0013620, OMIM 614198.
Hypokalemic periodic paralysis, type 2 (HOKPP2). Identifiers: Orphanet 681, MedGen C2750061, MONDO:0013234, OMIM 613345.
Potassium-aggravated myotonia. Also called: Myotonia congenita, atypical, acetazolamide-responsive; MYOTONIA CONGENITA, ACETAZOLAMIDE-RESPONSIVE; MYOTONIA CONGENITA, ATYPICAL; SODIUM CHANNEL MUSCLE DISEASE. Identifiers: Orphanet 612, Orphanet 99734, Orphanet 99735, Orphanet 99736, MedGen C2931826, MONDO:0018959, OMIM 608390.
Hyperkalemic periodic paralysis. Also called: Gamstorp disease; Familial hyperkalemic periodic paralysis. Identifiers: Orphanet 682, MedGen C0238357, MONDO:0008224, OMIM 170500, HP:0007215.

Allele frequency attached by ClinVar (database versions not stated): gnomAD 0.00001; TOPMed 0.00001.

Submissions (8):

Labcorp Genetics (formerly Invitae), Labcorp
Classification: Uncertain significance for Hyperkalemic periodic paralysis. Last evaluated: 2025-08-24. Review status: criteria provided, single submitter. Criteria: Invitae Variant Classification Sherloc (09022015). Collection method: clinical testing. Allele origin: germline.
Comment: This sequence change replaces valine, which is neutral and non-polar, with methionine, which is neutral and non-polar, at codon 1007 of the SCN4A protein (p.Val1007Met). This variant is present in population databases (rs781028684, gnomAD 0.007%). This variant has not been reported in the literature in individuals affected with SCN4A-related conditions. ClinVar contains an entry for this variant (Variation ID: 889278). Invitae Evidence Modeling of protein sequence and biophysical properties (such as structural, functional, and spatial information, amino acid conservation, physicochemical variation, residue mobility, and thermodynamic stability) indicates that this missense variant is not expected to disrupt SCN4A protein function with a negative predictive value of 95%. In summary, the available evidence is currently insufficient to determine the role of this variant in disease. Therefore, it has been classified as a Variant of Uncertain Significance.

Revvity Omics, Revvity
Classification: Uncertain significance. Last evaluated: 2024-11-12. Review status: criteria provided, single submitter. Criteria: ACMG Guidelines, 2015. Collection method: clinical testing. Allele origin: germline.

Fulgent Genetics
Classification: Uncertain significance for Paramyotonia congenita of Von Eulenburg; Hyperkalemic periodic paralysis; Potassium-aggravated myotonia; Hypokalemic periodic paralysis, type 2; Congenital myasthenic syndrome 16; Congenital myopathy 22A, classic; Congenital myopathy 22B, severe fetal. Last evaluated: 2024-05-17. Review status: criteria provided, single submitter. Criteria: ACMG Guidelines, 2015. Collection method: clinical testing. Allele origin: germline.

Illumina Laboratory Services, Illumina
Classification: Likely benign for Hypokalemic periodic paralysis, type 2. Last evaluated: 2018-01-12. Review status: criteria provided, single submitter. Criteria: ICSL Variant Classification Criteria 13 December 2019. Collection method: clinical testing. Allele origin: germline.
Comment: This variant was observed in the ICSL laboratory as part of a predisposition screen in an ostensibly healthy population. It had not been previously curated by ICSL or reported in the Human Gene Mutation Database (HGMD: prior to June 1st, 2018), and was therefore a candidate for classification through an automated scoring system. Utilizing variant allele frequency, disease prevalence and penetrance estimates, and inheritance mode, an automated score was calculated to assess if this variant is too frequent to cause the disease. Based on the score and internal cut-off values, a variant classified as likely benign is not then subjected to further curation. The score for this variant resulted in a classification of likely benign for this disease.

Illumina Laboratory Services, Illumina
Classification: Uncertain significance for Congenital myasthenic syndrome 16. Last evaluated: 2018-01-12. Review status: criteria provided, single submitter. Criteria: ICSL Variant Classification Criteria 13 December 2019. Collection method: clinical testing. Allele origin: germline.

Illumina Laboratory Services, Illumina
Classification: Likely benign for Potassium-aggravated myotonia. Last evaluated: 2018-01-12. Review status: criteria provided, single submitter. Criteria: ICSL Variant Classification Criteria 13 December 2019. Collection method: clinical testing. Allele origin: germline.
Comment: the same text as in the submission from Illumina Laboratory Services, Illumina above.

Illumina Laboratory Services, Illumina
Classification: Likely benign for Paramyotonia congenita of Von Eulenburg. Last evaluated: 2018-01-12. Review status: criteria provided, single submitter. Criteria: ICSL Variant Classification Criteria 13 December 2019. Collection method: clinical testing. Allele origin: germline.
Comment: the same text as in the submission from Illumina Laboratory Services, Illumina above.

Illumina Laboratory Services, Illumina
Classification: Likely benign for Hyperkalemic periodic paralysis. Last evaluated: 2018-01-12. Review status: criteria provided, single submitter. Criteria: ICSL Variant Classification Criteria 13 December 2019. Collection method: clinical testing. Allele origin: germline.
Comment: the same text as in the submission from Illumina Laboratory Services, Illumina above.